The following is an entry in ClinVar:

ClinVar aggregate classification (germline): Benign (0 of 4 stars; one submission).

Conditions:
CFAP298-related disorder. Also called: CFAP298-related condition.

Allele frequency attached by ClinVar (database versions not stated): 1000 Genomes Project 30x 0.00234; ESP Exome Variant Server 0.00284; 1000 Genomes Project 0.00300.
gnomAD v4.1: 710 of 1,591,272 alleles (0.045%); highest among the groups gnomAD compares: African/African-American, 0.78%; 6 homozygotes.

Submission:

PreventionGenetics, part of Exact Sciences
Classification: Benign for CFAP298-related condition. Last evaluated: 2019-09-25. Review status: no assertion criteria provided. Collection method: clinical testing. Allele origin: germline.
Comment: This variant is classified as benign based on ACMG/AMP sequence variant interpretation guidelines (Richards et al. 2015 PMID: 25741868, with internal and published modifications).

NM_021254.4(CFAP298):c.762+36C>G

Genes: CFAP298 (cilia and flagella associated protein 298; minus strand), CFAP298-TCP10L (CFAP298-TCP10L readthrough; minus strand). Cytogenetic location: 21q22.11.
Variant type: single nucleotide variant.
Coding change: c.762+36C>G on transcript NM_021254.4 (MANE Select); 36 bases into the intron after coding-DNA position 762, C replaced by G.
Molecular consequence: intron variant. On other transcripts: 3 prime UTR variant (1), synonymous variant (1).
Genome position (GRCh38, 1-based): chr21:32,602,236, G>C on the plus strand (C>G on the coding strand, the complement: CFAP298 is on the minus strand). VCF-style: chr21-32602236-G-C. GRCh37 (hg19) VCF-style: chr21-33974546-G-C.
Other names: c.*853C>G (NM_001350335.2); c.798C>G, p.Gly266= (NM_001350337.2); c.666+925C>G (NM_001350338.2); c.465+36C>G (NM_001350334.2); c.667-263C>G (NM_001350336.2).
Identifiers: ClinVar variation 3039765 (VCV003039765.2), dbSNP rs111702591, ClinGen allele CA10002727.
Genomic context (GRCh38, chr21:32,602,236, plus strand): 5'-TTCTGCAGAGCTCACTGCTCCCCAGCAGCCCCAGGTAAGGCACACAGGCTATGTGTGGGC[G>C]CCAGCACTGCAGAAAGCCCATCTGTCCCCTGCTACCTTGAGCTCCTCTTGTCTTCTGTGA-3'